The following is an entry in ClinVar:

NM_024642.5(GALNT12):c.829G>T (p.Gly277Cys)

Gene: GALNT12 (polypeptide N-acetylgalactosaminyltransferase 12; plus strand). Cytogenetic location: 9q22.33.
Variant type: single nucleotide variant.
Coding change: c.829G>T on transcript NM_024642.5 (MANE Select); coding-DNA position 829, G replaced by T.
Protein change: p.Gly277Cys; replaces glycine 277 with cysteine.
Molecular consequence: missense variant.
Genome position (GRCh38, 1-based): chr9:98,831,869, G>T. VCF-style: chr9-98831869-G-T. GRCh37 (hg19) VCF-style: chr9-101594151-G-T.
Other names: short protein forms G277C.
Identifiers: ClinVar variation 5022132 (VCV005022132.1).
Genomic context (GRCh38, chr9:98,831,869, plus strand): 5'-ATTGATGTGATCGACTGGAACACCTTCGAATACCTGGGGAACTCCGGGGAGCCCCAGATC[G>T]GCGGTTTCGACTGGAGGCTGGTGTTCACGTGGCACACAGTTCCTGAGAGGGAGAGGATAC-3'
Protein context (NP_078918.3, residues 267-287): YLGNSGEPQI[Gly277Cys]GFDWRLVFTW

ClinVar aggregate classification (germline): Uncertain significance (1 of 4 stars; one submission).

gnomAD v4.1: 1 of 1,614,044 alleles (0.000062%); highest among the groups gnomAD compares: African/African-American, 0.0013%; no homozygotes.

Submission:

Ambry Genetics
Classification: Uncertain significance. Last evaluated: 2026-06-24. Review status: criteria provided, single submitter. Criteria: Ambry Variant Classification Scheme 2023. Collection method: clinical testing. Allele origin: germline.
Comment: The p.G277C variant (also known as c.829G>T), located in coding exon 4 of the GALNT12 gene, results from a G to T substitution at nucleotide position 829. The glycine at codon 277 is replaced by cysteine, an amino acid with highly dissimilar properties. This amino acid position is conserved. In addition, this alteration is predicted to be deleterious by in silico analysis. Based on the available evidence, the clinical significance of this variant remains unclear.